The following is an entry in ClinVar:

NM_000368.5(TSC1):c.3158dup (p.His1053fs)

Gene: TSC1 (TSC complex subunit 1; minus strand). Cytogenetic location: 9q34.13.
Variant type: Duplication.
Coding change: c.3158dup on transcript NM_000368.5 (MANE Select); coding-DNA position 3158, one base duplicated (A; older notation c.3158dupA).
Protein change: p.His1053fs; shifts the reading frame from histidine 1053.
Molecular consequence: frameshift variant. On other transcripts: non-coding transcript variant (5).
Genome position (GRCh38, 1-based): chr9:132,896,572, T duplicated on the plus strand (A on the coding strand, the reverse complement: TSC1 is on the minus strand). VCF-style (leftmost placement, unchanged base first): chr9-132896571-G-GT. GRCh37 (hg19) VCF-style: chr9-135771958-G-GT.
Other names: c.3158dupA (NM_000368.4); c.3155dup, p.His1052fs (NM_001162426.2, NM_001406597.1, NM_001406598.1 and 2 more transcripts); c.3005dup, p.His1002fs (NM_001162427.2, NM_001406610.1); c.2795dup, p.His932fs (NM_001362177.2, NM_001406614.1, NM_001406615.1 and 4 more transcripts); c.3158dup, p.His1053fs (NM_001406592.1, NM_001406593.1, NM_001406594.1 and 2 more transcripts); c.3002dup, p.His1001fs (NM_001406611.1, NM_001406612.1); c.2960dup, p.His987fs (NM_001406613.1); c.2792dup, p.His931fs (NM_001406620.1, NM_001406621.1, NM_001406622.1 and 1 more transcripts); and 9 more; short protein forms H1001fs, H1047fs, H1052fs, H702fs, H932fs, H987fs, H736fs, H917fs.
Identifiers: ClinVar variation 3329396 (VCV003329396.1).

ClinVar aggregate classification (germline): Uncertain significance (1 of 4 stars; one submission).

Conditions:
Hereditary cancer-predisposing syndrome. Also called: Neoplastic Syndromes, Hereditary; Tumor predisposition; Hereditary neoplastic syndrome; Hereditary Cancer Syndrome. Identifiers: Orphanet 140162, MedGen C0027672, MeSH D009386, MONDO:0015356.

Submission:

Ambry Genetics
Classification: Uncertain significance for Hereditary cancer-predisposing syndrome. Last evaluated: 2024-03-20. Review status: criteria provided, single submitter. Criteria: Ambry Variant Classification Scheme 2023. Collection method: clinical testing. Allele origin: germline.
Comment: The c.3158dupA variant, located in coding exon 21 of the TSC1 gene, results from a duplication of A at nucleotide position 3158, causing a translational frameshift with a predicted alternate stop codon (p.H1053Qfs*46). This alteration occurs at the 3' terminus of theTSC1 gene, is not expected to trigger nonsense-mediated mRNAdecay, and only impacts the last 9.6% of the protein. The exact functional effect of this alteration is unknown. Based on the available evidence, the clinical significance of this alteration remains unclear.